The following is an entry in ClinVar:

NM_000051.4(ATM):c.7809T>A (p.Asn2603Lys)

Genes: ATM (ATM serine/threonine kinase; plus strand), C11orf65 (chromosome 11 open reading frame 65; minus strand). Cytogenetic location: 11q22.3.
Variant type: single nucleotide variant.
Coding change: c.7809T>A on transcript NM_000051.4 (MANE Select); coding-DNA position 7809, T replaced by A.
Protein change: p.Asn2603Lys; replaces asparagine 2603 with lysine.
Molecular consequence: missense variant. On other transcripts: intron variant (2).
Genome position (GRCh38, 1-based): chr11:108,332,782, T>A. VCF-style: chr11-108332782-T-A. GRCh37 (hg19) VCF-style: chr11-108203509-T-A.
Other names: c.7809T>A, p.Asn2603Lys (NM_001351834.2); c.641-23711A>T (NM_001330368.2); c.*38+2438A>T (NM_001351110.2); short protein forms N2603K.
Identifiers: ClinVar variation 2067596 (VCV002067596.4), dbSNP rs2136562134, ClinGen allele CA382561278.

ClinVar aggregate classification (germline): Uncertain significance (1 of 4 stars; one submission).

Conditions:
Ataxia-telangiectasia syndrome (AT). Also called: Ataxia-telangiectasia, complementation group D; AT, COMPLEMENTATION GROUP C; ATAXIA-TELANGIECTASIA, COMPLEMENTATION GROUP A; ATAXIA-TELANGIECTASIA, FRESNO VARIANT; Ataxia-telangiectasia, complementation group E; LOUIS-BAR SYNDROME. Identifiers: Orphanet 100, MedGen C0004135, MONDO:0008840, OMIM 208900.

Submission:

Labcorp Genetics (formerly Invitae), Labcorp
Classification: Uncertain significance for Ataxia-telangiectasia syndrome. Last evaluated: 2023-11-16. Review status: criteria provided, single submitter. Criteria: Invitae Variant Classification Sherloc (09022015). Collection method: clinical testing. Allele origin: germline.
Comment: This sequence change replaces asparagine, which is neutral and polar, with lysine, which is basic and polar, at codon 2603 of the ATM protein (p.Asn2603Lys). This variant is not present in population databases (gnomAD no frequency). This variant has not been reported in the literature in individuals affected with ATM-related conditions. ClinVar contains an entry for this variant (Variation ID: 2067596). An algorithm developed to predict the effect of missense changes on protein structure and function (PolyPhen-2) suggests that this variant is likely to be tolerated. In summary, the available evidence is currently insufficient to determine the role of this variant in disease. Therefore, it has been classified as a Variant of Uncertain Significance.